The following is an entry in ClinVar:

NM_017553.3(INO80):c.2812G>A (p.Glu938Lys)

Gene: INO80 (INO80 complex ATPase subunit; minus strand). Cytogenetic location: 15q15.1.
Variant type: single nucleotide variant.
Coding change: c.2812G>A on transcript NM_017553.3 (MANE Select); coding-DNA position 2812, G replaced by A.
Protein change: p.Glu938Lys; replaces glutamic acid 938 with lysine.
Molecular consequence: missense variant. On other transcripts: non-coding transcript variant (1).
Genome position (GRCh38, 1-based): chr15:41,044,999, C>T on the plus strand (G>A on the coding strand, the complement: INO80 is on the minus strand). VCF-style: chr15-41044999-C-T. GRCh37 (hg19) VCF-style: chr15-41337197-C-T.
Other names: short protein forms E938K.
Identifiers: ClinVar variation 4872193 (VCV004872193.2).
Genomic context (GRCh38, chr15:41,044,999, plus strand): 5'-AGAGTGGAAAATTAACCCCAAGAAGGAAATCCTTGTTCCTCAGGTATCTCTGGTGGCTCT[C>T]CCCTTCTGGCGCTCCCCAGGAGCGTAGCTGATGGAGCCTGTAGGAGGCTTTCAGAGACAG-3'
Protein context (NP_060023.1, residues 928-948): QLRSWGAPEG[Glu938Lys]SHQRYLRNKD

ClinVar aggregate classification (germline): Likely benign (1 of 4 stars; one submission).

gnomAD v4.1: 728 of 1,613,978 alleles (0.045%); highest among the groups gnomAD compares: Middle Eastern, 0.56%; 1 homozygote.

Submission:

CeGaT Center for Human Genetics Tuebingen
Classification: Likely benign. Last evaluated: 2026-05-01. Review status: criteria provided, single submitter. Criteria: CeGaT Center For Human Genetics Tuebingen Variant Classification Criteria Version 2. Collection method: clinical testing. Allele origin: germline. Affected: yes. Observed: 1 variant allele.
Comment: INO80: BP4, BS2